The following is an entry in ClinVar:

NM_001042492.3(NF1):c.3198-2A>T

Gene: NF1 (neurofibromin 1; plus strand). Cytogenetic location: 17q11.2.
Variant type: single nucleotide variant.
Coding change: c.3198-2A>T on transcript NM_001042492.3 (MANE Select); the canonical splice acceptor site of the intron before coding-DNA position 3198, A replaced by T.
Molecular consequence: splice acceptor variant.
Genome position (GRCh38, 1-based): chr17:31,232,071, A>T. VCF-style: chr17-31232071-A-T. GRCh37 (hg19) VCF-style: chr17-29559089-A-T.
Other names: c.3198-2A>T (NM_000267.4).
Identifiers: ClinVar variation 527585 (VCV000527585.7), dbSNP rs1131691089, ClinGen allele CA398988493.

ClinVar aggregate classification (germline): Pathogenic (1 of 4 stars; one submission).

Conditions:
Neurofibromatosis, type 1 (NF1). Also called: VON RECKLINGHAUSEN DISEASE; NEUROFIBROMATOSIS, TYPE I, SOMATIC; Peripheral type neurofibromatosis; Neurofibromatosis, type I. Identifiers: Orphanet 636, MedGen C0027831, MONDO:0018975, OMIM 162200. Disease mechanism: loss of function.

Submissions (5):

Labcorp Genetics (formerly Invitae), Labcorp
Classification: Pathogenic for Neurofibromatosis, type 1. Last evaluated: 2024-11-06. Review status: criteria provided, single submitter. Criteria: Invitae Variant Classification Sherloc (09022015). Collection method: clinical testing. Allele origin: germline.
Comment: This sequence change affects an acceptor splice site in intron 24 of the NF1 gene. It is expected to disrupt RNA splicing. Variants that disrupt the donor or acceptor splice site typically lead to a loss of protein function (PMID: 16199547), and loss-of-function variants in NF1 are known to be pathogenic (PMID: 10712197, 23913538). The frequency data for this variant in the population databases is considered unreliable, as metrics indicate poor data quality at this position in the gnomAD database. Disruption of this splice site has been observed in individual(s) with neurofibromatosis type 1 (PMID: 17311297, 30014477, 31730495). ClinVar contains an entry for this variant (Variation ID: 527585). Algorithms developed to predict the effect of sequence changes on RNA splicing suggest that this variant may disrupt the consensus splice site. For these reasons, this variant has been classified as Pathogenic.

Dr. Peter K. Rogan Lab, Western University
No classification provided (evidence only). Condition: Thymoma. Review status: no classification provided. Collection method: in vitro. Allele origin: not applicable. Functional consequence: retained intron. Not counted in ClinVar's aggregate classification.

Dr. Peter K. Rogan Lab, Western University
No classification provided (evidence only). Condition: Ovarian serous cystadenocarcinoma. Review status: no classification provided. Collection method: in vitro. Allele origin: not applicable. Functional consequence: retained intron. Not counted in ClinVar's aggregate classification.

Dr. Peter K. Rogan Lab, Western University
No classification provided (evidence only). Condition: Malignant tumor of esophagus. Review status: no classification provided. Collection method: in vitro. Allele origin: not applicable. Functional consequence: retained intron. Not counted in ClinVar's aggregate classification.

Dr. Peter K. Rogan Lab, Western University
No classification provided (evidence only). Condition: Malignant tumor of esophagus. Review status: no classification provided. Collection method: in vitro. Allele origin: not applicable. Functional consequence: retained intron. Not counted in ClinVar's aggregate classification.

Literature cited by the submitters: PubMed 16199547 (cited by Labcorp Genetics (formerly Invitae), Labcorp); PubMed 10712197 (cited by Labcorp Genetics (formerly Invitae), Labcorp); PubMed 23913538 (cited by Labcorp Genetics (formerly Invitae), Labcorp); PubMed 17311297 (cited by Labcorp Genetics (formerly Invitae), Labcorp); PubMed 30014477 (cited by Labcorp Genetics (formerly Invitae), Labcorp); PubMed 31730495 (cited by Labcorp Genetics (formerly Invitae), Labcorp).